The following is an entry in ClinVar:

NM_001206927.2(DNAH8):c.4835A>T (p.Asp1612Val)

Gene: DNAH8 (dynein axonemal heavy chain 8; plus strand). Cytogenetic location: 6p21.2.
Variant type: single nucleotide variant.
Coding change: c.4835A>T on transcript NM_001206927.2 (MANE Select); coding-DNA position 4835, A replaced by T.
Protein change: p.Asp1612Val; replaces aspartic acid 1612 with valine.
Molecular consequence: missense variant.
Genome position (GRCh38, 1-based): chr6:38,842,893, A>T. VCF-style: chr6-38842893-A-T. GRCh37 (hg19) VCF-style: chr6-38810669-A-T.
Other names: c.4184A>T, p.Asp1395Val (NM_001371.4); short protein forms D1612V, D1395V.
Identifiers: ClinVar variation 4661115 (VCV004661115.2).

ClinVar aggregate classification (germline): Uncertain significance. Review status: criteria provided, multiple submitters, no conflicts (2 of 4 stars). 2 submissions from 2 submitters: Uncertain significance (2). Last evaluated 2025-11-12.

Conditions:
Primary ciliary dyskinesia. Also called: Ciliary dyskinesia. Identifiers: Orphanet 244, MedGen C0008780, MONDO:0016575, HP:0012265.

gnomAD v4.1: 49 of 1,613,532 alleles (0.003%); highest among the groups gnomAD compares: Non-Finnish European, 0.0041%; no homozygotes.

Submissions (2):

Ambry Genetics
Classification: Uncertain significance. Last evaluated: 2025-11-12. Review status: criteria provided, single submitter. Criteria: Ambry Variant Classification Scheme 2023. Collection method: clinical testing. Allele origin: germline.

Labcorp Genetics (formerly Invitae), Labcorp
Classification: Uncertain significance for Primary ciliary dyskinesia. Last evaluated: 2025-04-23. Review status: criteria provided, single submitter. Criteria: Invitae Variant Classification Sherloc (09022015). Collection method: clinical testing. Allele origin: germline.
Comment: This sequence change replaces aspartic acid, which is acidic and polar, with valine, which is neutral and non-polar, at codon 1612 of the DNAH8 protein (p.Asp1612Val). This variant is present in population databases (rs375356688, gnomAD 0.006%). This variant has not been reported in the literature in individuals affected with DNAH8-related conditions. Invitae Evidence Modeling of protein sequence and biophysical properties (such as structural, functional, and spatial information, amino acid conservation, physicochemical variation, residue mobility, and thermodynamic stability) indicates that this missense variant is not expected to disrupt DNAH8 protein function with a negative predictive value of 80%. Algorithms developed to predict the effect of sequence changes on RNA splicing suggest that this variant may disrupt the consensus splice site. In summary, the available evidence is currently insufficient to determine the role of this variant in disease. Therefore, it has been classified as a Variant of Uncertain Significance.